The following is an entry in ClinVar:

ClinVar aggregate classification (germline): Uncertain significance (1 of 4 stars; one submission).

Conditions:
Rhabdoid tumor predisposition syndrome 2 (RTPS2). Identifiers: Orphanet 231108, Orphanet 69077, MedGen C2750074, MONDO:0013224, OMIM 613325.

Submission:

Labcorp Genetics (formerly Invitae), Labcorp
Classification: Uncertain significance for Rhabdoid tumor predisposition syndrome 2. Last evaluated: 2018-12-08. Review status: criteria provided, single submitter. Criteria: Invitae Variant Classification Sherloc (09022015). Collection method: clinical testing. Allele origin: germline.
Comment: In summary, the available evidence is currently insufficient to determine the role of this variant in disease. Therefore, it has been classified as a Variant of Uncertain Significance. Algorithms developed to predict the effect of missense changes on protein structure and function (SIFT, PolyPhen-2, Align-GVGD) all suggest that this variant is likely to be disruptive, but these predictions have not been confirmed by published functional studies and their clinical significance is uncertain. This variant has not been reported in the literature in individuals with SMARCA4-related conditions. This variant is not present in population databases (ExAC no frequency). This sequence change replaces glutamic acid with aspartic acid at codon 1083 of the SMARCA4 protein (p.Glu1083Asp). The glutamic acid residue is highly conserved and there is a small physicochemical difference between glutamic acid and aspartic acid.

NM_003072.5(SMARCA4):c.3249G>C (p.Glu1083Asp)

Gene: SMARCA4 (SWI/SNF related BAF chromatin remodeling complex subunit ATPase 4; plus strand). Cytogenetic location: 19p13.2.
Variant type: single nucleotide variant.
Coding change: c.3249G>C on transcript NM_003072.5 (MANE Select); coding-DNA position 3249, G replaced by C.
Protein change: p.Glu1083Asp; replaces glutamic acid 1083 with aspartic acid.
Molecular consequence: missense variant. On other transcripts: non-coding transcript variant (1).
Genome position (GRCh38, 1-based): chr19:11,027,817, G>C. VCF-style: chr19-11027817-G-C. GRCh37 (hg19) VCF-style: chr19-11138493-G-C.
Other names: c.3249G>C, p.Glu1083Asp (NM_001128844.3, NM_001128845.2, NM_001128846.2 and 5 more transcripts); short protein forms E1083D.
Identifiers: ClinVar variation 645840 (VCV000645840.8), dbSNP rs1600335341, ClinGen allele CA404061341.
Genomic context (GRCh38, chr19:11,027,817, plus strand): 5'-TTCTCTCCTGCCTCCTCCACACTCCAGGCTGGACCTGTACCGAGCCTCGGGTAAATTTGA[G>C]CTTCTTGATAGAATTCTTCCCAAACTCCGAGCAACCAACCACAAAGTGCTGCTGTTCTGC-3'
Protein context (NP_003063.2, residues 1073-1093): LDLYRASGKF[Glu1083Asp]LLDRILPKLR